The following is an entry in ClinVar:

ClinVar aggregate classification (germline): Conflicting classifications of pathogenicity. Review status: criteria provided, conflicting classifications (1 of 4 stars). 3 submissions from 3 submitters: Likely pathogenic (2); Uncertain significance (1). Last evaluated 2023-02-22.

Conditions:
Charcot-Marie-Tooth disease, type I (CMT1). Also called: Charcot-Marie-Tooth disease type 1; Charcot-Marie-Tooth, Type 1. Identifiers: Orphanet 65753, MedGen C0751036, MONDO:0019011.

Submissions (3):

ARUP Laboratories, Molecular Genetics and Genomics, ARUP Laboratories
Classification: Likely pathogenic. Last evaluated: 2023-02-22. Review status: criteria provided, single submitter. Criteria: ARUP Molecular Germline Variant Investigation Process 2024. Collection method: clinical testing. Allele origin: germline.
Comment: The MPZ c.646-2A>G variant (rs1670228122), to our knowledge, is not reported in the medical literature but is reported in ClinVar (Variation ID: 996769). This variant is absent from the Genome Aggregation Database, indicating it is not a common polymorphism. This variant disrupts the canonical splice acceptor site of intron 5 of the terminal exon. While this may not lead to nonsense-medicated decay, it is expected to alter RNA splicing and result in a disrupted protein product. Loss-of-function variants in the terminal exon have been reported in individuals with CMT disease, suggesting this last exon is critical for proper protein function (Bellone 1996, He 2018, Lee 2004). Based on available information, this variant is considered to be likely pathogenic. REFERENCES Bellone E et al. Identification of a 4 bp deletion (1560del4) in po gene in a family with severe Charcot-Marie-Tooth disease. Hum Mutat. 1996;7(4):377-8. PMID: 8723697. He J et al. Clinical and genetic investigation in Chinese patients with demyelinating Charcot-Marie-Tooth disease. J Peripher Nerv Syst. 2018 Dec;23(4):216-226. PMID: 29896895. Lee YC et al. Myelin protein zero gene mutations in Taiwanese patients with Charcot-Marie-Tooth disease type 1. J Neurol Sci. 2004 Apr 15;219(1-2):95-100. PMID: 15050444.

Labcorp Genetics (formerly Invitae), Labcorp
Classification: Uncertain significance for Charcot-Marie-Tooth disease, type I. Last evaluated: 2022-07-12. Review status: criteria provided, single submitter. Criteria: Invitae Variant Classification Sherloc (09022015). Collection method: clinical testing. Allele origin: germline.
Comment: This variant is not present in population databases (gnomAD no frequency). In summary, the available evidence is currently insufficient to determine the role of this variant in disease. Therefore, it has been classified as a Variant of Uncertain Significance. Variants that disrupt the consensus splice site are a relatively common cause of aberrant splicing (PMID: 17576681, 9536098). Algorithms developed to predict the effect of sequence changes on RNA splicing suggest that this variant may disrupt the consensus splice site. ClinVar contains an entry for this variant (Variation ID: 996769). This variant has not been reported in the literature in individuals affected with MPZ-related conditions. This sequence change affects an acceptor splice site in intron 5 of the MPZ gene. While this variant is not anticipated to result in nonsense mediated decay, it likely alters RNA splicing and results in a disrupted protein product.

Institute of Medical Genetics and Applied Genomics, University Hospital Tübingen
Classification: Likely pathogenic. Last evaluated: 2021-02-01. Review status: criteria provided, single submitter. Criteria: ACMG Guidelines, 2015. Collection method: clinical testing. Allele origin: germline. Inheritance: Autosomal dominant inheritance. Affected: yes.

Literature cited by the submitters: PubMed 17576681 (cited by Labcorp Genetics (formerly Invitae), Labcorp); PubMed 9536098 (cited by Labcorp Genetics (formerly Invitae), Labcorp).

NM_000530.8(MPZ):c.646-2A>G

Gene: MPZ (myelin protein zero; minus strand). Cytogenetic location: 1q23.3.
Variant type: single nucleotide variant.
Coding change: c.646-2A>G on transcript NM_000530.8 (MANE Select); the canonical splice acceptor site of the intron before coding-DNA position 646, A replaced by G.
Molecular consequence: splice acceptor variant.
Genome position (GRCh38, 1-based): chr1:161,305,979, T>C on the plus strand (A>G on the coding strand, the complement: MPZ is on the minus strand). VCF-style: chr1-161305979-T-C. GRCh37 (hg19) VCF-style: chr1-161275769-T-C.
Other names: c.646-2A>G (NM_001315491.2).
Identifiers: ClinVar variation 996769 (VCV000996769.7), dbSNP rs1670228122, ClinGen allele CA343344501.